The following is an entry in ClinVar:

NM_001173464.2(KIF21A):c.1165C>A (p.Leu389Ile)

Gene: KIF21A (kinesin family member 21A; minus strand). Cytogenetic location: 12q12.
Variant type: single nucleotide variant.
Coding change: c.1165C>A on transcript NM_001173464.2 (MANE Select); coding-DNA position 1165, C replaced by A.
Protein change: p.Leu389Ile; replaces leucine 389 with isoleucine.
Molecular consequence: missense variant.
Genome position (GRCh38, 1-based): chr12:39,358,228, G>T on the plus strand (C>A on the coding strand, the complement: KIF21A is on the minus strand). VCF-style: chr12-39358228-G-T. GRCh37 (hg19) VCF-style: chr12-39752030-G-T.
Other names: c.1165C>A, p.Leu389Ile (NM_001173463.2, NM_001173465.2, NM_001378439.1 and 3 more transcripts); short protein forms L389I.
Identifiers: ClinVar variation 1315106 (VCV001315106.2), dbSNP rs2138873313, ClinGen allele CA384380347.

ClinVar aggregate classification (germline): Uncertain significance (1 of 4 stars; one submission).

Submission:

GeneDx
Classification: Uncertain significance. Last evaluated: 2020-02-20. Review status: criteria provided, single submitter. Criteria: GeneDx Variant Classification Process June 2021. Collection method: clinical testing. Allele origin: germline. Affected: yes.
Comment: Not observed in large population cohorts (Lek et al., 2016); In silico analysis supports that this missense variant does not alter protein structure/function; Has not been previously published as pathogenic or benign to our knowledge